The following is an entry in ClinVar:

ClinVar aggregate classification (germline): Benign/Likely benign. Review status: criteria provided, multiple submitters, no conflicts (2 of 4 stars). 5 submissions from 5 submitters: Benign (1); Likely benign (3). 1 of the submissions does not count toward it. Last evaluated 2026-06-01.

Conditions:
DNM2-related disorder. Also called: DNM2-related condition.
Inborn genetic diseases. Identifiers: MedGen C0950123, MeSH D030342.
Charcot-Marie-Tooth disease dominant intermediate B (CMTDIB). Also called: CHARCOT-MARIE-TOOTH NEUROPATHY, DOMINANT INTERMEDIATE B; Charcot-Marie-Tooth disease dominant intermediate 1; CMT DI1; Charcot-Marie-Tooth disease dominant intermediate I. Identifiers: Orphanet 100044, Orphanet 228179, MedGen C1847902, MONDO:0011674, OMIM 606482.

Allele frequency attached by ClinVar (database versions not stated): gnomAD exomes below 0.00001 and 0.00002; TOPMed 0.00001; ExAC 0.00002.
gnomAD v4.1: 8 of 1,614,186 alleles (0.0005%); highest among the groups gnomAD compares: Admixed American, 0.005%; no homozygotes.

Submissions (5):

CeGaT Center for Human Genetics Tuebingen
Classification: Likely benign. Last evaluated: 2026-06-01. Review status: criteria provided, single submitter. Criteria: CeGaT Center For Human Genetics Tuebingen Variant Classification Criteria Version 2. Collection method: clinical testing. Allele origin: germline. Affected: yes. Observed: 1 variant allele.
Comment: DNM2: BP4, BP7

Labcorp Genetics (formerly Invitae), Labcorp
Classification: Likely benign for Charcot-Marie-Tooth disease dominant intermediate B. Last evaluated: 2020-02-05. Review status: criteria provided, single submitter. Criteria: Invitae Variant Classification Sherloc (09022015). Collection method: clinical testing. Allele origin: germline.

Ambry Genetics
Classification: Likely benign for Inborn genetic diseases. Last evaluated: 2019-07-11. Review status: criteria provided, single submitter. Criteria: Ambry Variant Classification Scheme 2023. Collection method: clinical testing. Allele origin: germline.

Genetic Services Laboratory, University of Chicago
Classification: Benign. Last evaluated: 2013-02-08. Review status: criteria provided, single submitter. Criteria: ACMG Guidelines, 2007. Collection method: clinical testing. Allele origin: germline. Inheritance: Autosomal dominant inheritance.

PreventionGenetics, part of Exact Sciences
Classification: Likely benign for DNM2-related condition. Last evaluated: 2019-08-14. Review status: no assertion criteria provided. Collection method: clinical testing. Allele origin: germline. Not counted in ClinVar's aggregate classification.
Comment: This variant is classified as likely benign based on ACMG/AMP sequence variant interpretation guidelines (Richards et al. 2015 PMID: 25741868, with internal and published modifications).

NM_001005361.3(DNM2):c.1731G>A (p.Lys577=)

Gene: DNM2 (dynamin 2; plus strand). Cytogenetic location: 19p13.2.
Variant type: single nucleotide variant.
Coding change: c.1731G>A on transcript NM_001005361.3 (MANE Select); coding-DNA position 1731, G replaced by A.
Protein change: p.Lys577=; no amino-acid change (lysine 577 retained).
Molecular consequence: synonymous variant.
Genome position (GRCh38, 1-based): chr19:10,820,039, G>A. VCF-style: chr19-10820039-G-A. GRCh37 (hg19) VCF-style: chr19-10930715-G-A.
Other names: c.1731G>A, p.Lys577= (NM_001005360.3, NM_001190716.2); c.1719G>A, p.Lys573= (NM_001005362.3, NM_004945.4).
Identifiers: ClinVar variation 158516 (VCV000158516.21), dbSNP rs35365412, ClinGen allele CA172103.
Genomic context (GRCh38, chr19:10,820,039, plus strand): 5'-GGAGAAAGAGAAGAAGTACATGCTGCCTCTGGACAACCTCAAGATCCGTGATGTGGAGAA[G>A]GGCTTCATGTCCAACAAGCACGTCTTCGCCATCTTCAACACGGAGCAGAGGTGAGGGGCC-3'
Protein context (NP_001005361.1, residues 567-587): LDNLKIRDVE[Lys577=]GFMSNKHVFA